The following is an entry in ClinVar:

ClinVar aggregate classification (germline): Pathogenic. Review status: criteria provided, multiple submitters, no conflicts (2 of 4 stars). 4 submissions from 4 submitters: Pathogenic (4). Last evaluated 2025-02-03.

Conditions:
SPTA1-related disorder. Also called: SPTA1-related condition; SPTA1-related disorders.

gnomAD v4.1: 2 of 1,614,062 alleles (0.00012%); highest among the groups gnomAD compares: Non-Finnish European, 0.000085%; no homozygotes.

Submissions (4):

PreventionGenetics, part of Exact Sciences
Classification: Pathogenic for SPTA1-related condition. Last evaluated: 2025-02-03. Review status: criteria provided, single submitter. Criteria: ACMG Guidelines, 2015. Collection method: clinical testing. Allele origin: germline.
Comment: The SPTA1 c.6335T>G variant is predicted to result in premature protein termination (p.Leu2112*). This variant has been reported together with a splicing variant in an individual with spherocytosis (Gallagher et al. 2019. PubMed ID: 31038472). This variant is reported in one out of 31394 alleles in gnomAD. Nonsense variants in SPTA1 are expected to be pathogenic. This variant is interpreted as pathogenic.

Revvity Omics, Revvity
Classification: Pathogenic. Last evaluated: 2024-05-13. Review status: criteria provided, single submitter. Criteria: ACMG Guidelines, 2015. Collection method: clinical testing. Allele origin: germline.

Labcorp Genetics (formerly Invitae), Labcorp
Classification: Pathogenic. Last evaluated: 2024-03-09. Review status: criteria provided, single submitter. Criteria: Invitae Variant Classification Sherloc (09022015). Collection method: clinical testing. Allele origin: germline.
Comment: This sequence change creates a premature translational stop signal (p.Leu2112*) in the SPTA1 gene. It is expected to result in an absent or disrupted protein product. Loss-of-function variants in SPTA1 are known to be pathogenic (PMID: 9192783, 18815189, 31333484, 31723846, 32266426). This variant is present in population databases (no rsID available, gnomAD no frequency). This premature translational stop signal has been observed in individual(s) with SPTA1-related disorders (PMID: 31038472). For these reasons, this variant has been classified as Pathogenic.

GeneDx
Classification: Pathogenic. Last evaluated: 2023-05-18. Review status: criteria provided, single submitter. Criteria: GeneDx Variant Classification Process June 2021. Collection method: clinical testing. Allele origin: germline. Affected: yes.
Comment: Nonsense variant predicted to result in protein truncation or nonsense mediated decay in a gene for which loss of function is a known mechanism of disease; Not observed at significant frequency in large population cohorts (gnomAD); This variant is associated with the following publications: (PMID: 31038472)

Literature cited by the submitters: PubMed 9192783 (cited by Labcorp Genetics (formerly Invitae), Labcorp); PubMed 18815189 (cited by Labcorp Genetics (formerly Invitae), Labcorp); PubMed 31333484 (cited by Labcorp Genetics (formerly Invitae), Labcorp); PubMed 31723846 (cited by Labcorp Genetics (formerly Invitae), Labcorp); PubMed 32266426 (cited by Labcorp Genetics (formerly Invitae), Labcorp); PubMed 31038472 (cited by Labcorp Genetics (formerly Invitae), Labcorp).

NM_003126.4(SPTA1):c.6335T>G (p.Leu2112Ter)

Gene: SPTA1 (spectrin alpha, erythrocytic 1; minus strand). Cytogenetic location: 1q23.1.
Variant type: single nucleotide variant.
Coding change: c.6335T>G on transcript NM_003126.4 (MANE Select); coding-DNA position 6335, T replaced by G.
Protein change: p.Leu2112Ter; replaces leucine 2112 with a stop codon.
Molecular consequence: nonsense.
Genome position (GRCh38, 1-based): chr1:158,620,252, A>C on the plus strand (T>G on the coding strand, the complement: SPTA1 is on the minus strand). VCF-style: chr1-158620252-A-C. GRCh37 (hg19) VCF-style: chr1-158590042-A-C.
Other names: c.6335T>G (NM_003126.2); short protein forms L2112*.
Identifiers: ClinVar variation 2690495 (VCV002690495.6), dbSNP rs1383401833, ClinGen allele CA343018523.
Genomic context (GRCh38, chr1:158,620,252, plus strand): 5'-TTCCAGGTCCTTTCCAGCACCTCCACTGTTAACCAGGTATAAGGGCTGGAAGGCACACCT[A>C]AGGCCTTAATCTGCTGGTCTAGCTCCAGCAAACATTTAAAGTCTGCTTGAGCCCTAGCCA-3'